The following is an entry in ClinVar:

ClinVar aggregate classification (germline): Likely benign (1 of 4 stars; one submission).

Conditions:
SRRM2-related disorder. Also called: SRRM2-related condition.

gnomAD v4.1: 29 of 1,614,090 alleles (0.0018%); highest among the groups gnomAD compares: Non-Finnish European, 0.0022%; no homozygotes.

Submission:

PreventionGenetics, part of Exact Sciences
Classification: Likely benign for SRRM2-related condition. Last evaluated: 2025-10-15. Review status: criteria provided, single submitter. Criteria: ACMG Guidelines, 2015. Collection method: clinical testing. Allele origin: germline.
Comment: This variant is classified as likely benign based on ACMG/AMP sequence variant interpretation guidelines (Richards et al. 2015 PMID: 25741868, with internal and published modifications).

NM_016333.4(SRRM2):c.438A>G (p.Val146=)

Genes: SRRM2 (serine/arginine repetitive matrix 2; plus strand), LOC126862261 (BRD4-independent group 4 enhancer GRCh37_chr16:2807529-2808728; plus strand). Cytogenetic location: 16p13.3.
Variant type: single nucleotide variant.
Coding change: c.438A>G on transcript NM_016333.4 (MANE Select); coding-DNA position 438, A replaced by G.
Protein change: p.Val146=; no amino-acid change (valine 146 retained).
Molecular consequence: synonymous variant.
Genome position (GRCh38, 1-based): chr16:2,757,868, A>G. VCF-style: chr16-2757868-A-G. GRCh37 (hg19) VCF-style: chr16-2807869-A-G.
Identifiers: ClinVar variation 4989189 (VCV004989189.1).
Genomic context (GRCh38, chr16:2,757,868, plus strand): 5'-ATTAAATGAGAAGAAGAATGAAAGACTCCGTGCTGCCTTTGGCATCAGTGATTCTTACGT[A>G]GATGGCAGCTCTTTTGATCCTCAGCGTCGTGCCCGAGAAGCTAAACAACCAGCTCCTGAG-3'
Protein context (NP_057417.3, residues 136-156): RAAFGISDSY[Val146=]DGSSFDPQRR